The following is an entry in ClinVar:

NM_017780.4(CHD7):c.5017G>T (p.Asp1673Tyr)

Gene: CHD7 (chromodomain helicase DNA binding protein 7; plus strand). Cytogenetic location: 8q12.2.
Variant type: single nucleotide variant.
Coding change: c.5017G>T on transcript NM_017780.4 (MANE Select); coding-DNA position 5017, G replaced by T.
Protein change: p.Asp1673Tyr; replaces aspartic acid 1673 with tyrosine.
Molecular consequence: missense variant. On other transcripts: intron variant (1).
Genome position (GRCh38, 1-based): chr8:60,845,030, G>T. VCF-style: chr8-60845030-G-T. GRCh37 (hg19) VCF-style: chr8-61757589-G-T.
Other names: c.1717-17199G>T (NM_001316690.1); short protein forms D1673Y.
Identifiers: ClinVar variation 4993450 (VCV004993450.1).

ClinVar aggregate classification (germline): Uncertain significance (1 of 4 stars; one submission).

Conditions:
CHD7-related disorder. Also called: CHD7-related condition.

gnomAD v4.1: 1 of 1,613,964 alleles (0.000062%); highest among the groups gnomAD compares: Non-Finnish European, 0.000085%; no homozygotes.

Submission:

PreventionGenetics, part of Exact Sciences
Classification: Uncertain significance for CHD7-related condition. Last evaluated: 2026-08-24. Review status: criteria provided, single submitter. Criteria: ACMG Guidelines, 2015. Collection method: clinical testing. Allele origin: germline.
Comment: The CHD7 c.5017G>T variant is predicted to result in the amino acid substitution p.Asp1673Tyr. To our knowledge, this variant has not been reported in the literature or in a large population database (gnomAD), indicating this variant is rare. At this time, the clinical significance of this variant is uncertain due to the absence of conclusive functional and genetic evidence.